The following is an entry in ClinVar:

ClinVar aggregate classification (germline): Uncertain significance (1 of 4 stars; one submission).

Conditions:
DICER1-related tumor predisposition. Also called: DICER1 syndrome; DICER1-related pleuropulmonary blastoma cancer predisposition syndrome. Identifiers: Orphanet 284343, MedGen C3839822, MONDO:0100216.

Submission:

Labcorp Genetics (formerly Invitae), Labcorp
Classification: Uncertain significance for DICER1-related tumor predisposition. Last evaluated: 2024-05-22. Review status: criteria provided, single submitter. Criteria: Invitae Variant Classification Sherloc (09022015). Collection method: clinical testing. Allele origin: germline.
Comment: This sequence change replaces lysine, which is basic and polar, with asparagine, which is neutral and polar, at codon 959 of the DICER1 protein (p.Lys959Asn). This variant is not present in population databases (gnomAD no frequency). This variant has not been reported in the literature in individuals affected with DICER1-related conditions. ClinVar contains an entry for this variant (Variation ID: 1034917). Advanced modeling of protein sequence and biophysical properties (such as structural, functional, and spatial information, amino acid conservation, physicochemical variation, residue mobility, and thermodynamic stability) performed at Invitae indicates that this missense variant is not expected to disrupt DICER1 protein function with a negative predictive value of 80%. In summary, the available evidence is currently insufficient to determine the role of this variant in disease. Therefore, it has been classified as a Variant of Uncertain Significance.

NM_177438.3(DICER1):c.2877A>T (p.Lys959Asn)

Gene: DICER1 (dicer 1, ribonuclease III; minus strand). Cytogenetic location: 14q32.13.
Variant type: single nucleotide variant.
Coding change: c.2877A>T on transcript NM_177438.3 (MANE Select); coding-DNA position 2877, A replaced by T.
Protein change: p.Lys959Asn; replaces lysine 959 with asparagine.
Molecular consequence: missense variant.
Genome position (GRCh38, 1-based): chr14:95,106,151, T>A on the plus strand (A>T on the coding strand, the complement: DICER1 is on the minus strand). VCF-style: chr14-95106151-T-A. GRCh37 (hg19) VCF-style: chr14-95572488-T-A.
Other names: c.2877A>T, p.Lys959Asn (NM_001195573.1, NM_001271282.3, NM_001291628.2 and 1 more transcripts); short protein forms K959N.
Identifiers: ClinVar variation 1034917 (VCV001034917.10), dbSNP rs1335588078, ClinGen allele CA390879050.